The following is an entry in ClinVar:

ClinVar aggregate classification (germline): Uncertain significance (1 of 4 stars; one submission).

Conditions:
Cardiovascular phenotype. Identifiers: MedGen CN230736.

gnomAD v4.1: 3 of 1,613,248 alleles (0.00019%); highest among the groups gnomAD compares: Non-Finnish European, 0.00025%; no homozygotes.

Submission:

Ambry Genetics
Classification: Uncertain significance for Cardiovascular phenotype. Last evaluated: 2022-03-04. Review status: criteria provided, single submitter. Criteria: Ambry Variant Classification Scheme 2023. Collection method: clinical testing. Allele origin: germline.
Comment: The p.T2310I variant (also known as c.6929C>T), located in coding exon 19 of the TNXB gene, results from a C to T substitution at nucleotide position 6929. The threonine at codon 2310 is replaced by isoleucine, an amino acid with similar properties. This amino acid position is conserved. In addition, this alteration is predicted to be tolerated by in silico analysis. Since supporting evidence is limited at this time, the clinical significance of this alteration remains unclear.

NM_001365276.2(TNXB):c.6929C>T (p.Thr2310Ile)

Gene: TNXB (tenascin XB; minus strand). Cytogenetic location: 6p21.33.
Variant type: single nucleotide variant.
Coding change: c.6929C>T on transcript NM_001365276.2 (MANE Select); coding-DNA position 6929, C replaced by T.
Protein change: p.Thr2310Ile; replaces threonine 2310 with isoleucine.
Molecular consequence: missense variant.
Genome position (GRCh38, 1-based): chr6:32,062,396, G>A on the plus strand (C>T on the coding strand, the complement: TNXB is on the minus strand). VCF-style: chr6-32062396-G-A. GRCh37 (hg19) VCF-style: chr6-32030173-G-A.
Other names: c.6929C>T, p.Thr2310Ile (NM_019105.8); short protein forms T2310I.
Identifiers: ClinVar variation 1756190 (VCV001756190.2), dbSNP rs765779230, ClinGen allele CA3734296.